The following is an entry in ClinVar:

NM_021098.3(CACNA1H):c.4165G>A (p.Ala1389Thr)

Gene: CACNA1H (calcium voltage-gated channel subunit alpha1 H; plus strand). Cytogenetic location: 16p13.3.
Variant type: single nucleotide variant.
Coding change: c.4165G>A on transcript NM_021098.3 (MANE Select); coding-DNA position 4165, G replaced by A.
Protein change: p.Ala1389Thr; replaces alanine 1389 with threonine.
Molecular consequence: missense variant.
Genome position (GRCh38, 1-based): chr16:1,210,913, G>A. VCF-style: chr16-1210913-G-A. GRCh37 (hg19) VCF-style: chr16-1260913-G-A.
Other names: c.4165G>A, p.Ala1389Thr (NM_001005407.2); short protein forms A1389T.
Identifiers: ClinVar variation 3629836 (VCV003629836.1).

ClinVar aggregate classification (germline): Uncertain significance (1 of 4 stars; one submission).

Submission:

Women's Health and Genetics/Laboratory Corporation of America, LabCorp
Classification: Uncertain significance. Last evaluated: 2024-11-04. Review status: criteria provided, single submitter. Criteria: LabCorp Variant Classification Summary - May 2015. Collection method: clinical testing. Allele origin: germline.
Comment: Variant summary: CACNA1H c.4165G>A (p.Ala1389Thr) results in a non-conservative amino acid change in the encoded protein sequence. Four of five in-silico tools predict a damaging effect of the variant on protein function. The variant allele was found at a frequency of 1.2e-05 in 241970 control chromosomes. The available data on variant occurrences in the general population are insufficient to allow any conclusion about variant significance. c.4165G>A has been reported in the literature in individuals affected with Autism Spectrum Disorder (Viggiano_2022) and Sudden unexpected death in epilepsy (Chahal_2021). These report(s) do not provide unequivocal conclusions about association of the variant with Idiopathic Generalized Epilepsy. To our knowledge, no experimental evidence demonstrating an impact on protein function has been reported. The following publications have been ascertained in the context of this evaluation (PMID: 34816733, 35350424). No submitters have cited clinical-significance assessments for this variant to ClinVar. Based on the evidence outlined above, the variant was classified as uncertain significance.

Literature cited by the submitters: PubMed 34816733; PubMed 35350424.